The following is an entry in ClinVar:

NM_001291303.3(FAT4):c.6652G>C (p.Asp2218His)

Gene: FAT4 (FAT atypical cadherin 4; plus strand). Cytogenetic location: 4q28.1.
Variant type: single nucleotide variant.
Coding change: c.6652G>C on transcript NM_001291303.3 (MANE Select); coding-DNA position 6652, G replaced by C.
Protein change: p.Asp2218His; replaces aspartic acid 2218 with histidine.
Molecular consequence: missense variant.
Genome position (GRCh38, 1-based): chr4:125,415,615, G>C. VCF-style: chr4-125415615-G-C. GRCh37 (hg19) VCF-style: chr4-126336770-G-C.
Other names: c.6652G>C, p.Asp2218His (NM_001291285.3, NM_001438396.1, NM_001438397.1 and 1 more transcripts); c.1423G>C, p.Asp475His (NM_001437895.1); short protein forms D475H, D2218H.
Identifiers: ClinVar variation 4999341 (VCV004999341.1).

ClinVar aggregate classification (germline): Uncertain significance (1 of 4 stars; one submission).

Conditions:
FAT4-related disorder. Also called: FAT4-related condition.

gnomAD v4.1: 2 of 1,613,952 alleles (0.00012%); highest among the groups gnomAD compares: Admixed American, 0.0033%; no homozygotes.

Submission:

PreventionGenetics, part of Exact Sciences
Classification: Uncertain significance for FAT4-related condition. Last evaluated: 2024-11-14. Review status: criteria provided, single submitter. Criteria: ACMG Guidelines, 2015. Collection method: clinical testing. Allele origin: germline.
Comment: The FAT4 c.6652G>C variant is predicted to result in the amino acid substitution p.Asp2218His. To our knowledge, this variant has not been reported in the literature. This variant is reported in 0.0029% of alleles in individuals of Latino descent in gnomAD. At this time, the clinical significance of this variant is uncertain due to the absence of conclusive functional and genetic evidence.